The following is an entry in ClinVar:

ClinVar aggregate classification (germline): Benign. Review status: criteria provided, multiple submitters, no conflicts (2 of 4 stars). 2 submissions from 2 submitters: Benign (2). Last evaluated 2018-01-12.

Conditions:
Retinitis pigmentosa (RP). Identifiers: Orphanet 791, MedGen C0035334, MeSH D012174, MONDO:0019200, OMIM 268000. Inheritance: Autosomal dominant, autosomal recessive and X linked inheritance.

Allele frequency attached by ClinVar (database versions not stated): 1000 Genomes Project 30x 0.07152; 1000 Genomes Project 0.07268; TOPMed 0.11158; ESP Exome Variant Server 0.11856; gnomAD 0.12004 and 0.12217; ExAC 0.13320; gnomAD exomes 0.13488 and 0.15543.

Submissions (2):

Illumina Laboratory Services, Illumina
Classification: Benign for Retinitis pigmentosa. Last evaluated: 2018-01-12. Review status: criteria provided, single submitter. Criteria: ICSL Variant Classification Criteria 13 December 2019. Collection method: clinical testing. Allele origin: germline.
Comment: This variant was observed in the ICSL laboratory as part of a predisposition screen in an ostensibly healthy population. It had not been previously curated by ICSL or reported in the Human Gene Mutation Database (HGMD: prior to June 1st, 2018), and was therefore a candidate for classification through an automated scoring system. Utilizing variant allele frequency, disease prevalence and penetrance estimates, and inheritance mode, an automated score was calculated to assess if this variant is too frequent to cause the disease. Based on the score and internal cut-off values, a variant classified as benign is not then subjected to further curation. The score for this variant resulted in a classification of benign for this disease.

Breakthrough Genomics
Classification: Benign. Review status: criteria provided, single submitter. Criteria: ACMG Guidelines, 2015. Collection method: not provided. Allele origin: germline. Inheritance: Autosomal dominant inheritance. Affected: yes.

NM_012469.4(PRPF6):c.*19C>T

Gene: PRPF6 (pre-mRNA processing factor 6; plus strand). Cytogenetic location: 20q13.33.
Variant type: single nucleotide variant.
Coding change: c.*19C>T on transcript NM_012469.4 (MANE Select); 19 bases downstream of the stop codon, C replaced by T.
Molecular consequence: 3 prime UTR variant.
Genome position (GRCh38, 1-based): chr20:64,033,012, C>T. VCF-style: chr20-64033012-C-T. GRCh37 (hg19) VCF-style: chr20-62664365-C-T.
Identifiers: ClinVar variation 339492 (VCV000339492.6), dbSNP rs7550, ClinGen allele CA9972611.
Genomic context (GRCh38, chr20:64,033,012, plus strand): 5'-ATCCTTAGGCTGGTGGCCGGCCGCATCAAGAACACCTTCTGATTGAGCGGTTGCCATGGC[C>T]GGTCTCCGTGGGGCAGGGTTGGGCCGCATGTGGAAGGGCTCTGAGCTGTGTCCTCCTTCA-3'